The following is an entry in ClinVar:

ClinVar aggregate classification (germline): Likely pathogenic (1 of 4 stars; one submission).

Submission:

Labcorp Genetics (formerly Invitae), Labcorp
Classification: Likely pathogenic. Last evaluated: 2026-02-01. Review status: criteria provided, single submitter. Criteria: Invitae Variant Classification Sherloc (09022015). Collection method: clinical testing. Allele origin: germline.
Comment: This sequence change affects a donor splice site in intron 16 of the ANK1 gene. It is expected to disrupt RNA splicing. Variants that disrupt the donor or acceptor splice site typically lead to a loss of protein function (PMID: 16199547), and loss-of-function variants in ANK1 are known to be pathogenic (PMID: 8640229). This variant is not present in population databases (gnomAD no frequency). Disruption of this splice site has been observed in individual(s) with clinical features of ANK1-related conditions (PMID: 33014018). Algorithms developed to predict the effect of sequence changes on RNA splicing suggest that this variant may disrupt the consensus splice site. In summary, the currently available evidence indicates that the variant is pathogenic, but additional data are needed to prove that conclusively. Therefore, this variant has been classified as Likely Pathogenic.

Literature cited by the submitters: PubMed 16199547; PubMed 8640229; PubMed 33014018.

NM_000037.4(ANK1):c.1800+1G>T

Genes: ANK1 (ankyrin 1; minus strand), LOC126860369 (BRD4-independent group 4 enhancer GRCh37_chr8:41570734-41571933; plus strand). Cytogenetic location: 8p11.21.
Variant type: single nucleotide variant.
Coding change: c.1800+1G>T on transcript NM_000037.4 (MANE Select); the canonical splice donor site of the intron after coding-DNA position 1800, G replaced by T.
Molecular consequence: splice donor variant.
Genome position (GRCh38, 1-based): chr8:41,714,155, C>A on the plus strand (G>T on the coding strand, the complement: ANK1 is on the minus strand). VCF-style: chr8-41714155-C-A. GRCh37 (hg19) VCF-style: chr8-41571673-C-A.
Other names: c.1899+1G>T (NM_001142446.2); c.1800+1G>T (NM_020477.3, NM_020475.3, NM_020476.3).
Identifiers: ClinVar variation 4711665 (VCV004711665.1).